The following is an entry in ClinVar:

NM_001010874.5(TECRL):c.832+1301C>T

Gene: TECRL (trans-2,3-enoyl-CoA reductase like; minus strand). Cytogenetic location: 4q13.1.
Variant type: single nucleotide variant.
Coding change: c.832+1301C>T on transcript NM_001010874.5 (MANE Select); 1301 bases into the intron after coding-DNA position 832, C replaced by T.
Molecular consequence: intron variant.
Genome position (GRCh38, 1-based): chr4:64,288,409, G>A on the plus strand (C>T on the coding strand, the complement: TECRL is on the minus strand). VCF-style: chr4-64288409-G-A. GRCh37 (hg19) VCF-style: chr4-65154127-G-A.
Other names: c.832+1301C>T (NM_001363796.1).
Identifiers: ClinVar variation 4820360 (VCV004820360.1), dbSNP rs6551813.
Genomic context (GRCh38, chr4:64,288,409, plus strand): 5'-CATCAAAGCTGATCCTCTTAACAACTACAGGAGAAGTTGCTGAAGAACTCAACATCGACC[G>A]TTCTACAGTCCTCAGGCATTTGAAGCAAATTGGAGAGGTGAAAAAGCTCGATAAGTCAGT-3'

ClinVar aggregate classification (germline): Benign (1 of 4 stars; one submission).

gnomAD v4.1: 140,483 of 152,086 alleles (92%); highest among the groups gnomAD compares: East Asian, 100%; 65,044 homozygotes.

Submission:

Molecular Diagnostic Laboratory for Inherited Cardiovascular Disease, Montreal Heart Institute
Classification: Benign. Last evaluated: 2026-03-27. Review status: criteria provided, single submitter. Criteria: ACMG Guidelines, 2015. Collection method: clinical testing. Allele origin: germline. Affected: no.
Comment: BA1